The following is an entry in ClinVar:

ClinVar aggregate classification (germline): Uncertain significance. Review status: criteria provided, multiple submitters, no conflicts (2 of 4 stars). 2 submissions from 2 submitters: Uncertain significance (2). Last evaluated 2021-11-05.

Conditions:
Brachyolmia-amelogenesis imperfecta syndrome. Also called: PLATYSPONDYLY WITH AMELOGENESIS IMPERFECTA; Tooth agenesis, selective, 6; Dental anomalies and short stature. Identifiers: Orphanet 2899, MedGen C1832594, MONDO:0011018, OMIM 601216. Disease mechanism: loss of function.
Inborn genetic diseases. Identifiers: MedGen C0950123, MeSH D030342.

Allele frequency attached by ClinVar (database versions not stated): gnomAD exomes 0.00001; ExAC 0.00002.
gnomAD v4.1: 7 of 1,613,866 alleles (0.00043%); highest among the groups gnomAD compares: South Asian, 0.0011%; no homozygotes.

Submissions (2):

Ambry Genetics
Classification: Uncertain significance for Inborn genetic diseases. Last evaluated: 2021-11-05. Review status: criteria provided, single submitter. Criteria: Ambry Variant Classification Scheme 2023. Collection method: clinical testing. Allele origin: germline.
Comment: The p.A665S variant (also known as c.1993G>T), located in coding exon 14 of the LTBP3 gene, results from a G to T substitution at nucleotide position 1993. The alanine at codon 665 is replaced by serine, an amino acid with similar properties. This amino acid position is conserved. In addition, this alteration is predicted to be tolerated by in silico analysis. Since supporting evidence is limited at this time, the clinical significance of this alteration remains unclear.

Labcorp Genetics (formerly Invitae), Labcorp
Classification: Uncertain significance for Brachyolmia-amelogenesis imperfecta syndrome. Last evaluated: 2021-11-05. Review status: criteria provided, single submitter. Criteria: Invitae Variant Classification Sherloc (09022015). Collection method: clinical testing. Allele origin: germline.
Comment: This variant has not been reported in the literature in individuals affected with LTBP3-related conditions. Algorithms developed to predict the effect of missense changes on protein structure and function output the following: SIFT: "Tolerated"; PolyPhen-2: "Benign"; Align-GVGD: "Class C0". The serine amino acid residue is found in multiple mammalian species, which suggests that this missense change does not adversely affect protein function. In summary, the available evidence is currently insufficient to determine the role of this variant in disease. Therefore, it has been classified as a Variant of Uncertain Significance. This variant is present in population databases (rs769389218, gnomAD 0.002%). This sequence change replaces alanine, which is neutral and non-polar, with serine, which is neutral and polar, at codon 665 of the LTBP3 protein (p.Ala665Ser).

NM_001130144.3(LTBP3):c.1993G>T (p.Ala665Ser)

Gene: LTBP3 (latent transforming growth factor beta binding protein 3; minus strand). Cytogenetic location: 11q13.1.
Variant type: single nucleotide variant.
Coding change: c.1993G>T on transcript NM_001130144.3 (MANE Select); coding-DNA position 1993, G replaced by T.
Protein change: p.Ala665Ser; replaces alanine 665 with serine.
Molecular consequence: missense variant.
Genome position (GRCh38, 1-based): chr11:65,547,553, C>A on the plus strand (G>T on the coding strand, the complement: LTBP3 is on the minus strand). VCF-style: chr11-65547553-C-A. GRCh37 (hg19) VCF-style: chr11-65315024-C-A.
Other names: c.1642G>T, p.Ala548Ser (NM_001164266.1); c.1993G>T, p.Ala665Ser (NM_021070.4); short protein forms A665S, A548S.
Identifiers: ClinVar variation 1429432 (VCV001429432.8), dbSNP rs769389218, ClinGen allele CA6100767.